The following is an entry in ClinVar:

ClinVar aggregate classification (germline): Uncertain significance (1 of 4 stars; one submission).

Conditions:
Aicardi-Goutieres syndrome 4. Identifiers: Orphanet 51, MedGen C1835912, MONDO:0012472, OMIM 610333.

Allele frequency attached by ClinVar (database versions not stated): gnomAD exomes below 0.00001.
gnomAD v4.1: 1 of 1,575,146 alleles (0.000063%); highest among the groups gnomAD compares: Non-Finnish European, 0.000086%; no homozygotes.

Submission:

Labcorp Genetics (formerly Invitae), Labcorp
Classification: Uncertain significance for Aicardi-Goutieres syndrome 4. Last evaluated: 2022-08-23. Review status: criteria provided, single submitter. Criteria: Invitae Variant Classification Sherloc (09022015). Collection method: clinical testing. Allele origin: germline.
Comment: In summary, the available evidence is currently insufficient to determine the role of this variant in disease. Therefore, it has been classified as a Variant of Uncertain Significance. Algorithms developed to predict the effect of missense changes on protein structure and function are either unavailable or do not agree on the potential impact of this missense change (SIFT: "Deleterious"; PolyPhen-2: "Probably Damaging"; Align-GVGD: "Class C0"). ClinVar contains an entry for this variant (Variation ID: 579710). This variant has not been reported in the literature in individuals affected with RNASEH2A-related conditions. This variant is not present in population databases (gnomAD no frequency). This sequence change replaces proline, which is neutral and non-polar, with histidine, which is basic and polar, at codon 28 of the RNASEH2A protein (p.Pro28His).

NM_006397.3(RNASEH2A):c.83C>A (p.Pro28His)

Genes: RNASEH2A (ribonuclease H2 subunit A; plus strand), LOC117038795 (CRISPRi-FlowFISH-validated PRDX2 regulatory element 4; plus strand). Cytogenetic location: 19p13.13.
Variant type: single nucleotide variant.
Coding change: c.83C>A on transcript NM_006397.3 (MANE Select); coding-DNA position 83, C replaced by A.
Protein change: p.Pro28His; replaces proline 28 with histidine.
Molecular consequence: missense variant.
Genome position (GRCh38, 1-based): chr19:12,806,756, C>A. VCF-style: chr19-12806756-C-A. GRCh37 (hg19) VCF-style: chr19-12917570-C-A.
Other names: short protein forms P28H.
Identifiers: ClinVar variation 579710 (VCV000579710.8), dbSNP rs1568386452, ClinGen allele CA404263375.
Genomic context (GRCh38, chr19:12,806,756, plus strand): 5'-GAGACAATACAGGCCGCTGTCGCCTGAGTTCGCCTGTGCCCGCGGTGTGCCGCAAGGAGC[C>A]TTGCGTCCTGGGCGTCGATGAGGCGGGCAGGGGCCCCGTGCTGGGTGCGCCCCTAGGGCC-3'
Protein context (NP_006388.2, residues 18-38): SPVPAVCRKE[Pro28His]CVLGVDEAGR